The following is an entry in ClinVar:

NM_006096.4(NDRG1):c.389+92_594+1717dup

Gene: NDRG1 (N-myc downstream regulated 1; minus strand). Cytogenetic location: 8q24.22.
Variant type: Duplication.
Coding change: c.389+92_594+1717dup on transcript NM_006096.4 (MANE Select); 92 bases into the intron after coding-DNA position 389 through 1717 bases into the intron after coding-DNA position 594, 6,255 bases duplicated.
Molecular consequence: splice acceptor variant, splice donor variant.
Genome position (GRCh38, 1-based): chr8:133,252,822-133,259,076, 6,255 bases duplicated. GRCh37 (hg19): chr8:134,265,066-134,271,320.
Other names: c.191+92_396+1717dup (NM_001258432.2, NM_001374847.1); c.146+92_351+1717dup (NM_001258433.2); c.389+92_645+1717dup (NM_001374844.1); c.389+92_594+1717dup (NM_001135242.2, NM_001374845.1, NM_001374846.1).
Identifiers: ClinVar variation 218919 (VCV000218919.2).

ClinVar aggregate classification (germline): Pathogenic (1 of 4 stars; one submission).

Conditions:
Charcot-Marie-Tooth disease type 4D. Also called: CHARCOT-MARIE-TOOTH DISEASE, DEMYELINATING, TYPE 4D; CHARCOT-MARIE-TOOTH DISEASE, DEMYELINATING, AUTOSOMAL RECESSIVE, TYPE 4D; NEUROPATHY, HEREDITARY MOTOR AND SENSORY, LOM TYPE; Charcot-Marie-Tooth Neuropathy Type 4D. Identifiers: Orphanet 99950, MedGen C1832334, MONDO:0011085, OMIM 601455.

Submission:

Lupski Lab, Baylor-Hopkins CMG, Baylor College of Medicine
Classification: Pathogenic for Charcot-Marie-Tooth disease type 4D. Last evaluated: 2013-05-21. Review status: criteria provided, single submitter. Criteria: Okamoto et al. (Genet Med 2014). Collection method: research. Allele origin: germline. Inheritance: Autosomal recessive inheritance. Affected: yes and no. Observed: 6 variant alleles, 3 heterozygotes, 3 homozygotes.
Comment: NDRG1 is a known gene causing recessive CMT4D. This study showed a homozygous intragenic duplication in NDRG1.

Literature cited by the submitters: PubMed 20582309; PubMed 23393557.